The following is an entry in ClinVar:

ClinVar aggregate classification (germline): Uncertain significance (1 of 4 stars; one submission).

Conditions:
Leber congenital amaurosis 9 (LCA9). Also called: LCA9 Leber Congenital Amaurosis; LCA 9; Amaurosis congenita of Leber, type 9. Identifiers: Orphanet 65, MedGen C1837873, MONDO:0012056, OMIM 608553.

Submission:

Labcorp Genetics (formerly Invitae), Labcorp
Classification: Uncertain significance for Leber congenital amaurosis 9. Last evaluated: 2021-07-28. Review status: criteria provided, single submitter. Criteria: Invitae Variant Classification Sherloc (09022015). Collection method: clinical testing. Allele origin: germline.
Comment: In summary, the available evidence is currently insufficient to determine the role of this variant in disease. Therefore, it has been classified as a Variant of Uncertain Significance. Algorithms developed to predict the effect of missense changes on protein structure and function are either unavailable or do not agree on the potential impact of this missense change (SIFT: "Deleterious"; PolyPhen-2: "Probably Damaging"; Align-GVGD: "Class C0"). This variant has not been reported in the literature in individuals affected with NMNAT1-related conditions. This variant is not present in population databases (ExAC no frequency). This sequence change replaces leucine with tryptophan at codon 168 of the NMNAT1 protein (p.Leu168Trp). The leucine residue is highly conserved and there is a small physicochemical difference between leucine and tryptophan.

NM_022787.4(NMNAT1):c.503T>G (p.Leu168Trp)

Gene: NMNAT1 (nicotinamide nucleotide adenylyltransferase 1; plus strand). Cytogenetic location: 1p36.22.
Variant type: single nucleotide variant.
Coding change: c.503T>G on transcript NM_022787.4 (MANE Select); coding-DNA position 503, T replaced by G.
Protein change: p.Leu168Trp; replaces leucine 168 with tryptophan.
Molecular consequence: missense variant.
Genome position (GRCh38, 1-based): chr1:9,982,364, T>G. VCF-style: chr1-9982364-T-G. GRCh37 (hg19) VCF-style: chr1-10042422-T-G.
Other names: c.503T>G, p.Leu168Trp (NM_001297778.1); short protein forms L168W.
Identifiers: ClinVar variation 1463149 (VCV001463149.5), dbSNP rs2101715993, ClinGen allele CA338686558.